The following is an entry in ClinVar:

NM_001365951.3(KIF1B):c.4443G>T (p.Trp1481Cys)

Gene: KIF1B (kinesin family member 1B; plus strand). Cytogenetic location: 1p36.22.
Variant type: single nucleotide variant.
Coding change: c.4443G>T on transcript NM_001365951.3 (MANE Select); coding-DNA position 4443, G replaced by T.
Protein change: p.Trp1481Cys; replaces tryptophan 1481 with cysteine.
Molecular consequence: missense variant.
Genome position (GRCh38, 1-based): chr1:10,365,176, G>T. VCF-style: chr1-10365176-G-T. GRCh37 (hg19) VCF-style: chr1-10425234-G-T.
Other names: c.4443G>T, p.Trp1481Cys (NM_001365952.1); c.4305G>T, p.Trp1435Cys (NM_015074.3); short protein forms W1435C, W1481C.
Identifiers: ClinVar variation 4043135 (VCV004043135.1).

ClinVar aggregate classification (germline): Uncertain significance (1 of 4 stars; one submission).

Submission:

Ambry Genetics
Classification: Uncertain significance. Last evaluated: 2025-05-17. Review status: criteria provided, single submitter. Criteria: Ambry Variant Classification Scheme 2023. Collection method: clinical testing. Allele origin: germline.
Comment: The p.W1435C variant (also known as c.4305G>T), located in coding exon 39 of the KIF1B gene, results from a G to T substitution at nucleotide position 4305. The tryptophan at codon 1435 is replaced by cysteine, an amino acid with highly dissimilar properties. This amino acid position is conserved. In addition, this alteration is predicted to be deleterious by in silico analysis. Based on the available evidence, the clinical significance of this variant remains unclear.